The following is an entry in ClinVar:

ClinVar aggregate classification (germline): Uncertain significance (0 of 4 stars; one submission).

Conditions:
Papillary renal cell carcinoma type 1 (RCCP1). Also called: RENAL CELL CARCINOMA, PAPILLARY, 1, SOMATIC; Renal adenocarcinoma; Renal cell carcinoma 1; Renal cell carcinoma, somatic. Identifiers: Orphanet 47044, MedGen C1336839, OMIM 605074, HP:0011797.

Submission:

Labcorp Genetics (formerly Invitae), Labcorp
Classification: Uncertain significance for Renal cell carcinoma, papillary, 1. Last evaluated: 2014-06-11. Review status: no assertion criteria provided. Collection method: clinical testing. Allele origin: germline.
Comment: This sequence change has not been reported in affected patients and has not been reported as a common polymorphism in the population. Algorithms developed to predict the effect of missense changes on protein structure and function (SIFT, MutationTaster, AlignGVGD) suggest that this sequence change is likely to be tolerated, but these predictions have not been confirmed by functional studies.

NM_000245.4(MET):c.2265-48G>T

Gene: MET (MET proto-oncogene, receptor tyrosine kinase; plus strand). Cytogenetic location: 7q31.2.
Variant type: single nucleotide variant.
Coding change: c.2265-48G>T on transcript NM_000245.4 (MANE Select); 48 bases into the intron before coding-DNA position 2265, G replaced by T.
Molecular consequence: intron variant. On other transcripts: missense variant (1).
Genome position (GRCh38, 1-based): chr7:116,759,343, G>T. VCF-style: chr7-116759343-G-T. GRCh37 (hg19) VCF-style: chr7-116399397-G-T.
Other names: c.2271G>T, p.Trp757Cys (NM_001127500.3); c.975-48G>T (NM_001324402.2); c.2265-48G>T (NM_001324401.3); short protein forms W757C.
Identifiers: ClinVar variation 132717 (VCV000132717.1), dbSNP rs587780540, ClinGen allele CA332015.